The following is an entry in ClinVar:

NM_001039141.3(TRIOBP):c.2555A>T (p.Asp852Val)

Gene: TRIOBP (TRIO and F-actin binding protein; plus strand). Cytogenetic location: 22q13.1.
Variant type: single nucleotide variant.
Coding change: c.2555A>T on transcript NM_001039141.3 (MANE Select); coding-DNA position 2555, A replaced by T.
Protein change: p.Asp852Val; replaces aspartic acid 852 with valine.
Molecular consequence: missense variant.
Genome position (GRCh38, 1-based): chr22:37,725,111, A>T. VCF-style: chr22-37725111-A-T. GRCh37 (hg19) VCF-style: chr22-38121118-A-T.
Other names: short protein forms D852V.
Identifiers: ClinVar variation 1305695 (VCV001305695.8), dbSNP rs778331588, ClinGen allele CA10223906.

ClinVar aggregate classification (germline): Uncertain significance. Review status: criteria provided, multiple submitters, no conflicts (2 of 4 stars). 3 submissions from 3 submitters: Uncertain significance (3). Last evaluated 2024-01-29.

Conditions:
Autosomal recessive nonsyndromic hearing loss 28. Identifiers: Orphanet 90636, MedGen C1853276, MONDO:0012355, OMIM 609823.

Allele frequency attached by ClinVar (database versions not stated): TOPMed 0.00007; ExAC 0.00008; gnomAD exomes 0.00009 and 0.00013; gnomAD 0.00011 and 0.00013.
gnomAD v4.1: 222 of 1,614,082 alleles (0.014%); highest among the groups gnomAD compares: Non-Finnish European, 0.015%; no homozygotes.

Submissions (3):

Labcorp Genetics (formerly Invitae), Labcorp
Classification: Uncertain significance. Last evaluated: 2024-01-29. Review status: criteria provided, single submitter. Criteria: Invitae Variant Classification Sherloc (09022015). Collection method: clinical testing. Allele origin: germline.
Comment: This sequence change replaces aspartic acid, which is acidic and polar, with valine, which is neutral and non-polar, at codon 852 of the TRIOBP protein (p.Asp852Val). This variant is present in population databases (rs778331588, gnomAD 0.03%). This variant has not been reported in the literature in individuals affected with TRIOBP-related conditions. ClinVar contains an entry for this variant (Variation ID: 1305695). An algorithm developed to predict the effect of missense changes on protein structure and function (PolyPhen-2) suggests that this variant is likely to be disruptive. In summary, the available evidence is currently insufficient to determine the role of this variant in disease. Therefore, it has been classified as a Variant of Uncertain Significance.

Fulgent Genetics
Classification: Uncertain significance for Autosomal recessive nonsyndromic hearing loss 28. Last evaluated: 2021-09-22. Review status: criteria provided, single submitter. Criteria: ACMG Guidelines, 2015. Collection method: clinical testing. Allele origin: unknown.

GeneDx
Classification: Uncertain significance. Last evaluated: 2021-03-12. Review status: criteria provided, single submitter. Criteria: GeneDx Variant Classification Process June 2021. Collection method: clinical testing. Allele origin: germline. Affected: yes.
Comment: In silico analysis supports that this missense variant does not alter protein structure/function; Has not been previously published as pathogenic or benign to our knowledge